The following is an entry in ClinVar:

NM_000093.5(COL5A1):c.5260G>A (p.Asp1754Asn)

Genes: COL5A1 (collagen type V alpha 1 chain; plus strand), LOC101448202 (uncharacterized LOC101448202; minus strand). Cytogenetic location: 9q34.3.
Variant type: single nucleotide variant.
Coding change: c.5260G>A on transcript NM_000093.5 (MANE Select); coding-DNA position 5260, G replaced by A.
Protein change: p.Asp1754Asn; replaces aspartic acid 1754 with asparagine.
Molecular consequence: missense variant.
Genome position (GRCh38, 1-based): chr9:134,835,094, G>A. VCF-style: chr9-134835094-G-A. GRCh37 (hg19) VCF-style: chr9-137726940-G-A.
Other names: c.5260G>A, p.Asp1754Asn (NM_001278074.1); short protein forms D1754N.
Identifiers: ClinVar variation 3635962 (VCV003635962.2).
Genomic context (GRCh38, chr9:134,835,094, plus strand): 5'-CTGAGCGCCTCTGCCCACCAGAACGTCACCTACCACTGCTACCAGTCAGTGGCCTGGCAG[G>A]ACGCAGCCACGGGCAGCTACGACAAGGCCCTCCGCTTCCTGGGCTCCAACGACGAGGAGA-3'
Protein context (NP_000084.3, residues 1744-1764): YHCYQSVAWQ[Asp1754Asn]AATGSYDKAL

ClinVar aggregate classification (germline): Uncertain significance (1 of 4 stars; one submission).

Conditions:
Ehlers-Danlos syndrome, classic type, 1 (EDSCL1). Also called: EHLERS-DANLOS SYNDROME, GRAVIS TYPE; EHLERS-DANLOS SYNDROME, SEVERE CLASSIC TYPE; Ehlers-Danlos syndrome, type 1; Ehlers-Danlos Syndrome, Classic Type, COL5A1-Related; EDS I. Identifiers: MedGen C0268335, MONDO:0019567, OMIM 130000.

Submission:

Labcorp Genetics (formerly Invitae), Labcorp
Classification: Uncertain significance for Ehlers-Danlos syndrome, classic type, 1. Last evaluated: 2024-09-16. Review status: criteria provided, single submitter. Criteria: Invitae Variant Classification Sherloc (09022015). Collection method: clinical testing. Allele origin: germline.
Comment: This sequence change replaces aspartic acid, which is acidic and polar, with asparagine, which is neutral and polar, at codon 1754 of the COL5A1 protein (p.Asp1754Asn). This variant is not present in population databases (gnomAD no frequency). This variant has not been reported in the literature in individuals affected with COL5A1-related conditions. Invitae Evidence Modeling of protein sequence and biophysical properties (such as structural, functional, and spatial information, amino acid conservation, physicochemical variation, residue mobility, and thermodynamic stability) indicates that this missense variant is not expected to disrupt COL5A1 protein function with a negative predictive value of 95%. In summary, the available evidence is currently insufficient to determine the role of this variant in disease. Therefore, it has been classified as a Variant of Uncertain Significance.